The following is an entry in ClinVar:

ClinVar aggregate classification (germline): Uncertain significance (1 of 4 stars; one submission).

Conditions:
Baller-Gerold syndrome (BGS). Also called: CRANIOSYNOSTOSIS WITH RADIAL DEFECTS. Identifiers: Orphanet 1225, MedGen C0265308, MONDO:0009039, OMIM 218600.

Submission:

Labcorp Genetics (formerly Invitae), Labcorp
Classification: Uncertain significance for Baller-Gerold syndrome. Last evaluated: 2019-12-08. Review status: criteria provided, single submitter. Criteria: Invitae Variant Classification Sherloc (09022015). Collection method: clinical testing. Allele origin: germline.
Comment: In summary, the available evidence is currently insufficient to determine the role of this variant in disease. Therefore, it has been classified as a Variant of Uncertain Significance. Experimental studies and prediction algorithms are not available or were not evaluated, and the functional significance of this variant is currently unknown. This variant has not been reported in the literature in individuals with RECQL4-related conditions. This variant is not present in population databases (ExAC no frequency). This sequence change replaces arginine with glycine at codon 826 of the RECQL4 protein (p.Arg826Gly). The arginine residue is weakly conserved and there is a moderate physicochemical difference between arginine and glycine.

NM_004260.4(RECQL4):c.2476C>G (p.Arg826Gly)

Gene: RECQL4 (RecQ like helicase 4; minus strand). Cytogenetic location: 8q24.3.
Variant type: single nucleotide variant.
Coding change: c.2476C>G on transcript NM_004260.4 (MANE Select); coding-DNA position 2476, C replaced by G.
Protein change: p.Arg826Gly; replaces arginine 826 with glycine.
Molecular consequence: missense variant.
Genome position (GRCh38, 1-based): chr8:144,513,126, G>C on the plus strand (C>G on the coding strand, the complement: RECQL4 is on the minus strand). VCF-style: chr8-144513126-G-C. GRCh37 (hg19) VCF-style: chr8-145738509-G-C.
Other names: short protein forms R826G.
Identifiers: ClinVar variation 839625 (VCV000839625.5), dbSNP rs386833851, ClinGen allele CA372677575.
Genomic context (GRCh38, chr8:144,513,126, plus strand): 5'-CCAGCCTCTTCACAGCCAGGAAGTCCGTGCTGTCGGCGTGCACATGTCTGCGCAGCTCTC[G>C]CAGGTCTTCGCCCTGCAGGGCAACTTTCATGAGGGTGGGGTGGACCACTGGGGGCTCGAG-3'
Protein context (NP_004251.4, residues 816-836): LFLQPQGEDL[Arg826Gly]ELRRHVHADS